The following is an entry in ClinVar:

NM_002335.4(LRP5):c.556C>T (p.Arg186Trp)

Gene: LRP5 (LDL receptor related protein 5; plus strand). Cytogenetic location: 11q13.2.
Variant type: single nucleotide variant.
Coding change: c.556C>T on transcript NM_002335.4 (MANE Select); coding-DNA position 556, C replaced by T.
Protein change: p.Arg186Trp; replaces arginine 186 with tryptophan.
Molecular consequence: missense variant. On other transcripts: 5 prime UTR variant (1).
Genome position (GRCh38, 1-based): chr11:68,357,717, C>T. VCF-style: chr11-68357717-C-T. GRCh37 (hg19) VCF-style: chr11-68125185-C-T.
Other names: c.-1210C>T (NM_001291902.2); c.556C>T (NM_002335.3, NM_002335.2); short protein forms R186W.
Identifiers: ClinVar variation 1402944 (VCV001402944.9), dbSNP rs200484935, ClinGen allele CA6149051.

ClinVar aggregate classification (germline): Uncertain significance. Review status: criteria provided, multiple submitters, no conflicts (2 of 4 stars). 5 submissions from 5 submitters: Uncertain significance (5). Last evaluated 2026-04-18.

Conditions:
Bone mineral density quantitative trait locus 1 (BMND1). Identifiers: MedGen C1866079, OMIM 601884.
Exudative vitreoretinopathy 4 (EVR4). Identifiers: Orphanet 891, MedGen C1866176, MONDO:0011151, OMIM 601813.
Exudative vitreoretinopathy 1 (EVR1). Also called: FEVR, AUTOSOMAL DOMINANT; Familial exudative vitreoretinopathy, autosomal dominant; CRISWICK-SCHEPENS SYNDROME. Identifiers: Orphanet 891, Orphanet 90050, MedGen C1851402, MONDO:0007589, OMIM 133780.
Worth disease. Also called: Autosomal dominant osteosclerosis, Worth type; ENDOSTEAL HYPEROSTOSIS, AUTOSOMAL DOMINANT; OSTEOSCLEROSIS, AUTOSOMAL DOMINANT. Identifiers: Orphanet 2790, MedGen C0432273, MONDO:0007764, OMIM 144750.
Autosomal dominant osteopetrosis 1 (OPTA1). Also called: OSTEOPETROSIS, AUTOSOMAL DOMINANT, TYPE I. Identifiers: Orphanet 2783, MedGen C1843330, MONDO:0011877, OMIM 607634.
Osteoporosis with pseudoglioma (OPPG). Also called: osteoporosis-pseudoglioma syndrome. Identifiers: Orphanet 2788, MedGen C0432252, MONDO:0009820, OMIM 259770.
Osteoporosis. Identifiers: MedGen C0029456, MONDO:0005298, OMIM 166710, HP:0000939.
Polycystic liver disease 4 with or without kidney cysts. Identifiers: MedGen C4693479, MONDO:0044327, OMIM 617875.
Inborn genetic diseases. Identifiers: MedGen C0950123, MeSH D030342.
LRP5-related disorder. Also called: LRP5-related condition.

Allele frequency attached by ClinVar (database versions not stated): ExAC 0.00001; gnomAD exomes 0.00001 and 0.00002; TOPMed 0.00002; gnomAD 0.00003.
gnomAD v4.1: 15 of 1,614,010 alleles (0.00093%); highest among the groups gnomAD compares: East Asian, 0.0022%; no homozygotes.

Submissions (5):

PreventionGenetics, part of Exact Sciences
Classification: Uncertain significance for LRP5-related condition. Last evaluated: 2026-04-18. Review status: criteria provided, single submitter. Criteria: ACMG Guidelines, 2015. Collection method: clinical testing. Allele origin: germline.
Comment: The LRP5 c.556C>T variant is predicted to result in the amino acid substitution p.Arg186Trp. This variant has been reported in the heterozygous state in an individual with exudative vitreoretinopathy and was reported to be inherited from the unaffected father (Kondo et al. 2024. PubMed ID: 38881609). This variant is reported in 0.040% of alleles in individuals of Ashkenazi Jewish descent in gnomAD. At this time, the clinical significance of this variant is uncertain due to the absence of conclusive functional and genetic evidence.

Labcorp Genetics (formerly Invitae), Labcorp
Classification: Uncertain significance. Last evaluated: 2025-12-06. Review status: criteria provided, single submitter. Criteria: Invitae Variant Classification Sherloc (09022015). Collection method: clinical testing. Allele origin: germline.
Comment: This sequence change replaces arginine, which is basic and polar, with tryptophan, which is neutral and slightly polar, at codon 186 of the LRP5 protein (p.Arg186Trp). This variant is present in population databases (rs200484935, gnomAD 0.04%). This variant has not been reported in the literature in individuals affected with LRP5-related conditions. ClinVar contains an entry for this variant (Variation ID: 1402944). Invitae Evidence Modeling of protein sequence and biophysical properties (such as structural, functional, and spatial information, amino acid conservation, physicochemical variation, residue mobility, and thermodynamic stability) indicates that this missense variant is expected to disrupt LRP5 protein function with a positive predictive value of 95%. In summary, the available evidence is currently insufficient to determine the role of this variant in disease. Therefore, it has been classified as a Variant of Uncertain Significance.

Ambry Genetics
Classification: Uncertain significance for Inborn genetic diseases. Last evaluated: 2024-02-06. Review status: criteria provided, single submitter. Criteria: Ambry Variant Classification Scheme 2023. Collection method: clinical testing. Allele origin: germline.

Fulgent Genetics
Classification: Uncertain significance for Exudative vitreoretinopathy 1; Worth disease; Osteoporosis; Osteoporosis with pseudoglioma; Exudative vitreoretinopathy 4; Bone mineral density quantitative trait locus 1; Autosomal dominant osteopetrosis 1; Polycystic liver disease 4 with or without kidney cysts. Last evaluated: 2021-12-03. Review status: criteria provided, single submitter. Criteria: ACMG Guidelines, 2015. Collection method: clinical testing. Allele origin: unknown.

Blueprint Genetics
Classification: Uncertain significance. Last evaluated: 2021-11-11. Review status: criteria provided, single submitter. Criteria: ACMG Guidelines, 2015. Collection method: clinical testing. Allele origin: germline.